The following is an entry in ClinVar:

NM_198407.2(GHSR):c.422G>C (p.Arg141Pro)

Gene: GHSR (growth hormone secretagogue receptor; minus strand). Cytogenetic location: 3q26.31.
Variant type: single nucleotide variant.
Coding change: c.422G>C on transcript NM_198407.2 (MANE Select); coding-DNA position 422, G replaced by C.
Protein change: p.Arg141Pro; replaces arginine 141 with proline.
Molecular consequence: missense variant.
Genome position (GRCh38, 1-based): chr3:172,447,992, C>G on the plus strand (G>C on the coding strand, the complement: GHSR is on the minus strand). VCF-style: chr3-172447992-C-G. GRCh37 (hg19) VCF-style: chr3-172165782-C-G.
Other names: c.422G>C, p.Arg141Pro (NM_004122.2); short protein forms R141P.
Identifiers: ClinVar variation 1209321 (VCV001209321.19), dbSNP rs199698243, ClinGen allele CA2706476.

ClinVar aggregate classification (germline): Uncertain significance. Review status: criteria provided, multiple submitters, no conflicts (2 of 4 stars). 7 submissions from 7 submitters: Uncertain significance (5). 2 of the submissions do not count toward it. Last evaluated 2024-09-30.

Conditions:
Inborn genetic diseases. Identifiers: MedGen C0950123, MeSH D030342.
Short stature due to growth hormone secretagogue receptor deficiency (GHDP). Also called: Short stature due to GHSR deficiency. Identifiers: Orphanet 314811, MedGen C5887324, MONDO:0014403, OMIM 615925.

Allele frequency attached by ClinVar (database versions not stated): gnomAD exomes 0.00003; TOPMed 0.00003; gnomAD 0.00004; ExAC 0.00005.

Submissions (7):

GeneDx
Classification: Uncertain significance. Last evaluated: 2024-09-30. Review status: criteria provided, single submitter. Criteria: GeneDx Variant Classification Process June 2021. Collection method: clinical testing. Allele origin: germline. Affected: yes.
Comment: In silico analysis supports that this missense variant has a deleterious effect on protein structure/function; Has not been previously published as pathogenic or benign to our knowledge; This variant is associated with the following publications: (PMID: 27535533)

Labcorp Genetics (formerly Invitae), Labcorp
Classification: Uncertain significance. Last evaluated: 2024-07-03. Review status: criteria provided, single submitter. Criteria: Invitae Variant Classification Sherloc (09022015). Collection method: clinical testing. Allele origin: germline.
Comment: This sequence change replaces arginine, which is basic and polar, with proline, which is neutral and non-polar, at codon 141 of the GHSR protein (p.Arg141Pro). This variant is present in population databases (rs199698243, gnomAD 0.006%). This variant has not been reported in the literature in individuals affected with GHSR-related conditions. ClinVar contains an entry for this variant (Variation ID: 1209321). Advanced modeling of protein sequence and biophysical properties (such as structural, functional, and spatial information, amino acid conservation, physicochemical variation, residue mobility, and thermodynamic stability) performed at Invitae indicates that this missense variant is expected to disrupt GHSR protein function with a positive predictive value of 80%. In summary, the available evidence is currently insufficient to determine the role of this variant in disease. Therefore, it has been classified as a Variant of Uncertain Significance.

Women's Health and Genetics/Laboratory Corporation of America, LabCorp
Classification: Uncertain significance. Last evaluated: 2024-04-24. Review status: criteria provided, single submitter. Criteria: LabCorp Variant Classification Summary - May 2015. Collection method: clinical testing. Allele origin: germline.
Comment: Variant summary: GHSR c.422G>C (p.Arg141Pro) results in a non-conservative amino acid change located in the GPCR, rhodopsin-like, 7TM domain (IPR017452) of the encoded protein sequence. Five of five in-silico tools predict a damaging effect of the variant on protein function. The variant allele was found at a frequency of 2.8e-05 in 250886 control chromosomes. The available data on variant occurrences in the general population are insufficient to allow any conclusion about variant significance. To our knowledge, no occurrence of c.422G>C in individuals affected with Short Stature Due To Growth Hormone Secretagogue Receptor Deficiency and no experimental evidence demonstrating its impact on protein function have been reported. ClinVar contains an entry for this variant (Variation ID: 1209321). Based on the evidence outlined above, the variant was classified as uncertain significance.

Revvity Omics, Revvity
Classification: Uncertain significance for Short stature due to growth hormone secretagogue receptor deficiency. Last evaluated: 2022-06-24. Review status: criteria provided, single submitter. Criteria: ACMG Guidelines, 2015. Collection method: clinical testing. Allele origin: germline.

Ambry Genetics
Classification: Uncertain significance for Inborn genetic diseases. Last evaluated: 2022-02-24. Review status: criteria provided, single submitter. Criteria: Ambry Variant Classification Scheme 2023. Collection method: clinical testing. Allele origin: germline.

Joint Genome Diagnostic Labs from Nijmegen and Maastricht, Radboudumc and MUMC+
Classification: Uncertain significance. Review status: no assertion criteria provided. Collection method: clinical testing. Allele origin: germline. Affected: yes. Study: VKGL Data-share Consensus. Not counted in ClinVar's aggregate classification.

Laboratory of Diagnostic Genome Analysis, Leiden University Medical Center (LUMC)
Classification: Uncertain significance. Review status: no assertion criteria provided. Collection method: clinical testing. Allele origin: germline. Affected: yes. Study: VKGL Data-share Consensus. Not counted in ClinVar's aggregate classification.